The following is an entry in ClinVar:

ClinVar aggregate classification (germline): Pathogenic (1 of 4 stars; one submission).

Conditions:
Kabuki syndrome. Also called: NIIKAWA-KUROKI SYNDROME; Kabuki make-up syndrome. Identifiers: Orphanet 2322, MedGen C0796004, MONDO:0016512.

Submission:

Labcorp Genetics (formerly Invitae), Labcorp
Classification: Pathogenic for Kabuki syndrome. Last evaluated: 2022-09-04. Review status: criteria provided, single submitter. Criteria: Invitae Variant Classification Sherloc (09022015). Collection method: clinical testing. Allele origin: germline.
Comment: For these reasons, this variant has been classified as Pathogenic. This variant has not been reported in the literature in individuals affected with KMT2D-related conditions. This variant is not present in population databases (gnomAD no frequency). This sequence change creates a premature translational stop signal (p.Glu2476Lysfs*9) in the KMT2D gene. It is expected to result in an absent or disrupted protein product. Loss-of-function variants in KMT2D are known to be pathogenic (PMID: 22126750).

Literature cited by the submitters: PubMed 22126750.

NM_003482.4(KMT2D):c.7425del (p.Glu2476fs)

Gene: KMT2D (lysine methyltransferase 2D; minus strand). Cytogenetic location: 12q13.12.
Variant type: Deletion.
Coding change: c.7425del on transcript NM_003482.4 (MANE Select); coding-DNA position 7425, one base deleted (T; older notation c.7425delT).
Protein change: p.Glu2476fs; shifts the reading frame from glutamic acid 2476.
Molecular consequence: frameshift variant.
Genome position (GRCh38, 1-based): chr12:49,040,345, A deleted on the plus strand (T on the coding strand, the reverse complement: KMT2D is on the minus strand). VCF-style (leftmost placement, unchanged base first): chr12-49040344-CA-C. GRCh37 (hg19) VCF-style: chr12-49434127-CA-C.
Other names: short protein forms E2476fs.
Identifiers: ClinVar variation 2029005 (VCV002029005.4), dbSNP rs2498396868, ClinGen allele CA2580086355.